The following is an entry in ClinVar:

NC_000011.9:g.(?_18322355)_(18322483_?)del

Gene: HPS5 (HPS5 biogenesis of lysosomal organelles complex 2 subunit 2; minus strand). Cytogenetic location: 11p15.1.
Variant type: Deletion.
Identifiers: ClinVar variation 3244791 (VCV003244791.1).

ClinVar aggregate classification (germline): Pathogenic (1 of 4 stars; one submission).

Submission:

Labcorp Genetics (formerly Invitae), Labcorp
Classification: Pathogenic. Last evaluated: 2023-12-04. Review status: criteria provided, single submitter. Criteria: Invitae Variant Classification Sherloc (09022015). Collection method: clinical testing. Allele origin: unknown.
Comment: This variant is a gross deletion of the genomic region encompassing exon(s) 9 of the HPS5 gene. This deletion is out-of-frame, and is expected to create a premature termination codon and result in an absent or disrupted protein product. Loss-of-function variants in HPS5 are known to be pathogenic (PMID: 12548288, 15296495, 21833017, 26785811). This variant has not been reported in the literature in individuals affected with HPS5-related conditions. For these reasons, this variant has been classified as Pathogenic.

Literature cited by the submitters: PubMed 12548288; PubMed 15296495; PubMed 21833017; PubMed 26785811.